The following is an entry in ClinVar:

ClinVar aggregate classification (germline): Uncertain significance. Review status: criteria provided, multiple submitters, no conflicts (2 of 4 stars). 2 submissions from 2 submitters: Uncertain significance (2). Last evaluated 2026-02-05.

Conditions:
Mitochondrial complex II deficiency, nuclear type 1. Also called: SUCCINATE CoQ REDUCTASE DEFICIENCY. Identifiers: Orphanet 3208, MedGen C5700310, MONDO:0100294, OMIM 252011.
Pheochromocytoma/paraganglioma syndrome 5. Also called: Paragangliomas 5; SDHA-Related Hereditary Paraganglioma-Pheochromocytoma Syndrome. Identifiers: Orphanet 29072, MedGen C3279992, MONDO:0013602, OMIM 614165.
Hereditary cancer-predisposing syndrome. Also called: Hereditary neoplastic syndrome; Neoplastic Syndromes, Hereditary; Tumor predisposition; Hereditary Cancer Syndrome. Identifiers: Orphanet 140162, MedGen C0027672, MeSH D009386, MONDO:0015356.

Submissions (2):

Ambry Genetics
Classification: Uncertain significance for Hereditary cancer-predisposing syndrome. Last evaluated: 2026-02-05. Review status: criteria provided, single submitter. Criteria: Ambry Variant Classification Scheme 2023. Collection method: clinical testing. Allele origin: germline.
Comment: The p.R527L variant (also known as c.1580G>T), located in coding exon 12 of the SDHA gene, results from a G to T substitution at nucleotide position 1580. The arginine at codon 527 is replaced by leucine, an amino acid with dissimilar properties. This amino acid position is conserved. In addition, this alteration is predicted to be deleterious by in silico analysis. Based on the available evidence, the clinical significance of this variant remains unclear.

Labcorp Genetics (formerly Invitae), Labcorp
Classification: Uncertain significance for Pheochromocytoma/paraganglioma syndrome 5; Mitochondrial complex II deficiency, nuclear type 1. Last evaluated: 2025-01-27. Review status: criteria provided, single submitter. Criteria: Invitae Variant Classification Sherloc (09022015). Collection method: clinical testing. Allele origin: germline.
Comment: This sequence change replaces arginine, which is basic and polar, with leucine, which is neutral and non-polar, at codon 527 of the SDHA protein (p.Arg527Leu). This variant is not present in population databases (gnomAD no frequency). This variant has not been reported in the literature in individuals affected with SDHA-related conditions. Invitae Evidence Modeling of protein sequence and biophysical properties (such as structural, functional, and spatial information, amino acid conservation, physicochemical variation, residue mobility, and thermodynamic stability) indicates that this missense variant is expected to disrupt SDHA protein function with a positive predictive value of 80%. In summary, the available evidence is currently insufficient to determine the role of this variant in disease. Therefore, it has been classified as a Variant of Uncertain Significance.

NM_004168.4(SDHA):c.1580G>T (p.Arg527Leu)

Gene: SDHA (succinate dehydrogenase complex flavoprotein subunit A; plus strand). Cytogenetic location: 5p15.33.
Variant type: single nucleotide variant.
Coding change: c.1580G>T on transcript NM_004168.4 (MANE Select); coding-DNA position 1580, G replaced by T.
Protein change: p.Arg527Leu; replaces arginine 527 with leucine.
Molecular consequence: missense variant. On other transcripts: intron variant (1).
Genome position (GRCh38, 1-based): chr5:251,020, G>T. VCF-style: chr5-251020-G-T. GRCh37 (hg19) VCF-style: chr5-251135-G-T.
Other names: c.1436G>T, p.Arg479Leu (NM_001294332.2); c.1552-3373G>T (NM_001330758.2); c.1580G>T (NM_004168.2); short protein forms R479L, R527L.
Identifiers: ClinVar variation 3762098 (VCV003762098.4).
Genomic context (GRCh38, chr5:251,020, plus strand): 5'-TAAAAGTTTACAAATAATATTTTGTGCCACAGTCAATGCAAAATCATGCTGCCGTGTTCC[G>T]TGTGGGAAGCGTGTTGCAAGAAGGTTGTGGGAAAATCAGCAAGCTCTATGGAGACCTAAA-3'
Protein context (NP_004159.2, residues 517-537): KSMQNHAAVF[Arg527Leu]VGSVLQEGCG